The following is an entry in ClinVar:

ClinVar aggregate classification (germline): Uncertain significance (1 of 4 stars; one submission).

gnomAD v4.1: 1 of 1,211,788 alleles (0.000083%); highest among the groups gnomAD compares: Non-Finnish European, 0.00011%; no homozygotes.

Submission:

GeneDx
Classification: Uncertain significance. Last evaluated: 2023-12-13. Review status: criteria provided, single submitter. Criteria: GeneDx Variant Classification Process June 2021. Collection method: clinical testing. Allele origin: germline. Affected: yes.
Comment: Not observed at significant frequency in large population cohorts (gnomAD); In silico analysis supports that this missense variant does not alter protein structure/function; Has not been previously published as pathogenic or benign to our knowledge

NM_031206.7(LAS1L):c.683A>C (p.Glu228Ala)

Gene: LAS1L (LAS1 like ribosome biogenesis factor; minus strand). Cytogenetic location: Xq12.
Variant type: single nucleotide variant.
Coding change: c.683A>C on transcript NM_031206.7 (MANE Select); coding-DNA position 683, A replaced by C.
Protein change: p.Glu228Ala; replaces glutamic acid 228 with alanine.
Molecular consequence: missense variant. On other transcripts: 5 prime UTR variant (1), non-coding transcript variant (1).
Genome position (GRCh38, 1-based): chrX:65,529,710, T>G on the plus strand (A>C on the coding strand, the complement: LAS1L is on the minus strand). VCF-style: chrX-65529710-T-G. GRCh37 (hg19) VCF-style: chrX-64749590-T-G.
Other names: c.683A>C, p.Glu228Ala (NM_001170649.2, NM_001375328.1, NM_001375329.1 and 8 more transcripts); c.557A>C, p.Glu186Ala (NM_001170650.2); c.-114A>C (NM_001375332.1); short protein forms E186A, E228A.
Identifiers: ClinVar variation 3365502 (VCV003365502.1).
Genomic context (GRCh38, chrX:65,529,710, plus strand): 5'-CCTTTGCTGTCTCCATCGGCCTTTACATCTGACTCCGTACTTTTCCCATCATCCTGAGGC[T>G]CTGGTTTCTGTTCTGTGATGTCATCAACAACAATGTTCTTATCTTCCTCTTGATCCTCTT-3'
Protein context (NP_112483.1, residues 218-238): VVDDITEQKP[Glu228Ala]PQDDGKSTES